The following is an entry in ClinVar:

ClinVar aggregate classification (germline): Uncertain significance (1 of 4 stars; one submission).

Conditions:
Autoimmune lymphoproliferative syndrome type 2B. Also called: AUTOIMMUNE LYMPHOPROLIFERATIVE SYNDROME, TYPE IIB. Identifiers: Orphanet 275517, MedGen C1846545, MONDO:0011804, OMIM 607271.

Submission:

Labcorp Genetics (formerly Invitae), Labcorp
Classification: Uncertain significance for Autoimmune lymphoproliferative syndrome type 2B. Last evaluated: 2025-02-03. Review status: criteria provided, single submitter. Criteria: Invitae Variant Classification Sherloc (09022015). Collection method: clinical testing. Allele origin: germline.
Comment: This sequence change replaces glutamic acid, which is acidic and polar, with valine, which is neutral and non-polar, at codon 448 of the CASP8 protein (p.Glu448Val). This variant is not present in population databases (gnomAD no frequency). This variant has not been reported in the literature in individuals affected with CASP8-related conditions. ClinVar contains an entry for this variant (Variation ID: 1365410). Invitae Evidence Modeling of protein sequence and biophysical properties (such as structural, functional, and spatial information, amino acid conservation, physicochemical variation, residue mobility, and thermodynamic stability) indicates that this missense variant is expected to disrupt CASP8 protein function with a positive predictive value of 80%. In summary, the available evidence is currently insufficient to determine the role of this variant in disease. Therefore, it has been classified as a Variant of Uncertain Significance.

NM_001372051.1(CASP8):c.1292A>T (p.Glu431Val)

Gene: CASP8 (caspase 8; plus strand). Cytogenetic location: 2q33.1.
Variant type: single nucleotide variant.
Coding change: c.1292A>T on transcript NM_001372051.1 (MANE Select); coding-DNA position 1292, A replaced by T.
Protein change: p.Glu431Val; replaces glutamic acid 431 with valine.
Molecular consequence: missense variant. On other transcripts: non-coding transcript variant (22).
Genome position (GRCh38, 1-based): chr2:201,285,305, A>T. VCF-style: chr2-201285305-A-T. GRCh37 (hg19) VCF-style: chr2-202150028-A-T.
Other names: c.1247A>T, p.Glu416Val (NM_001080124.2, NM_001400658.1, NM_001400659.1 and 5 more transcripts); c.1469A>T, p.Glu490Val (NM_001080125.2); c.1343A>T, p.Glu448Val (NM_001228.5); c.1424A>T, p.Glu475Val (NM_001400642.1); c.1325A>T, p.Glu442Val (NM_001400645.1); c.1292A>T, p.Glu431Val (NM_001400648.1, NM_001400651.1, NM_001400653.1 and 5 more transcripts); c.1223A>T, p.Glu408Val (NM_001400664.1); c.1217A>T, p.Glu406Val (NM_001400665.1); and 7 more; short protein forms E448V, E490V, E416V, E431V, E217V, E226V, E232V, E282V.
Identifiers: ClinVar variation 1365410 (VCV001365410.8), dbSNP rs2125491805, ClinGen allele CA350302861.